The following is an entry in ClinVar:

ClinVar aggregate classification (germline): Uncertain significance (1 of 4 stars; one submission).

Conditions:
Inborn genetic diseases. Identifiers: MedGen C0950123, MeSH D030342.

gnomAD v4.1: 3 of 1,612,664 alleles (0.00019%); highest among the groups gnomAD compares: Non-Finnish European, 0.00017%; no homozygotes.

Submission:

Ambry Genetics
Classification: Uncertain significance for Inborn genetic diseases. Last evaluated: 2025-03-07. Review status: criteria provided, single submitter. Criteria: Ambry Variant Classification Scheme 2023. Collection method: clinical testing. Allele origin: germline.
Comment: The p.A440T variant (also known as c.1318G>A), located in coding exon 15 of the RTEL1 gene, results from a G to A substitution at nucleotide position 1318. The alanine at codon 440 is replaced by threonine, an amino acid with similar properties. This amino acid position is conserved. In addition, this alteration is predicted to be tolerated by in silico analysis. Based on the available evidence, the clinical significance of this variant remains unclear.

NM_001283009.2(RTEL1):c.1318G>A (p.Ala440Thr)

Genes: RTEL1 (regulator of telomere elongation helicase 1; plus strand), RTEL1-TNFRSF6B (RTEL1-TNFRSF6B readthrough (NMD candidate); plus strand). Cytogenetic location: 20q13.33.
Variant type: single nucleotide variant.
Coding change: c.1318G>A on transcript NM_001283009.2 (MANE Select); coding-DNA position 1318, G replaced by A.
Protein change: p.Ala440Thr; replaces alanine 440 with threonine.
Molecular consequence: missense variant. On other transcripts: non-coding transcript variant (1).
Genome position (GRCh38, 1-based): chr20:63,685,842, G>A. VCF-style: chr20-63685842-G-A. GRCh37 (hg19) VCF-style: chr20-62317195-G-A.
Other names: c.649G>A, p.Ala217Thr (NM_001283010.1); c.1318G>A, p.Ala440Thr (NM_016434.4); c.1390G>A, p.Ala464Thr (NM_032957.5); short protein forms A217T, A440T, A464T.
Identifiers: ClinVar variation 3791205 (VCV003791205.1).